The following is an entry in ClinVar:

NM_022124.6(CDH23):c.7152T>G (p.Ala2384=)

Gene: CDH23 (cadherin related 23; plus strand). Cytogenetic location: 10q22.1.
Variant type: single nucleotide variant.
Coding change: c.7152T>G on transcript NM_022124.6 (MANE Select); coding-DNA position 7152, T replaced by G.
Protein change: p.Ala2384=; no amino-acid change (alanine 2384 retained).
Molecular consequence: synonymous variant.
Genome position (GRCh38, 1-based): chr10:71,799,208, T>G. VCF-style: chr10-71799208-T-G. GRCh37 (hg19) VCF-style: chr10-73558965-T-G.
Other names: c.432T>G, p.Ala144= (NM_001171933.1, NM_001171934.1).
Identifiers: ClinVar variation 747094 (VCV000747094.16), dbSNP rs1589428524, ClinGen allele CA470282057.

ClinVar aggregate classification (germline): Likely benign. Review status: criteria provided, multiple submitters, no conflicts (2 of 4 stars). 2 submissions from 2 submitters: Likely benign (2). Last evaluated 2024-12-01.

Submissions (2):

CeGaT Center for Human Genetics Tuebingen
Classification: Likely benign. Last evaluated: 2024-12-01. Review status: criteria provided, single submitter. Criteria: CeGaT Center For Human Genetics Tuebingen Variant Classification Criteria Version 2. Collection method: clinical testing. Allele origin: germline. Affected: yes. Observed: 1 variant allele.
Comment: CDH23: BP4, BP7

Labcorp Genetics (formerly Invitae), Labcorp
Classification: Likely benign. Last evaluated: 2018-07-19. Review status: criteria provided, single submitter. Criteria: Invitae Variant Classification Sherloc (09022015). Collection method: clinical testing. Allele origin: germline.